The following is an entry in ClinVar:

ClinVar aggregate classification (germline): Likely pathogenic (1 of 4 stars; one submission).

Conditions:
Androgen resistance syndrome (AIS). Also called: ANDROGEN RECEPTOR DEFICIENCY; DIHYDROTESTOSTERONE RECEPTOR DEFICIENCY; TESTICULAR FEMINIZATION SYNDROME; Androgen insensitivity syndrome; Androgen insensitivity; Androgen insensitivity, complete. Identifiers: Orphanet 754, Orphanet 99429, MedGen C0039585, MONDO:0019154, OMIM 300068. Disease mechanism: loss of function.

Submission:

Clinical Biochemistry Laboratory, Health Services Laboratory
Classification: Likely pathogenic for Androgen resistance syndrome. Last evaluated: 2023-11-20. Review status: criteria provided, single submitter. Criteria: ACMG Guidelines, 2015. Collection method: clinical testing. Allele origin: germline. Affected: yes.
Comment: ACMG:PVS1 PM2 PP4

NM_000044.6(AR):c.2449+1_2449+3dup

Gene: AR (androgen receptor; plus strand). Cytogenetic location: Xq12.
Variant type: Duplication.
Coding change: c.2449+1_2449+3dup on transcript NM_000044.6 (MANE Select); the canonical splice donor site of the intron after coding-DNA position 2449 through 3 bases into the intron after coding-DNA position 2449, 3 bases duplicated (GTA; older notation c.2449+1_2449+3dupGTA).
Molecular consequence: splice donor variant.
Genome position (GRCh38, 1-based): chrX:67,721,964-67,721,966, GTA duplicated; duplicating any 3 consecutive bases within chrX:67,721,962-67,721,966 gives the same sequence; the c. name uses the placement nearest the transcript's 3' end. VCF-style (leftmost placement, unchanged base first): chrX-67721961-T-TTAG. GRCh37 (hg19) VCF-style: chrX-66941803-T-TTAG.
Other names: c.853+1_853+3dup (NM_001011645.3).
Identifiers: ClinVar variation 2674672 (VCV002674672.1), dbSNP rs2519841050, ClinGen allele CA2741808833.